The following is an entry in ClinVar:

NM_016103.4(SAR1B):c.370A>G (p.Ile124Val)

Gene: SAR1B (secretion associated Ras related GTPase 1B; minus strand). Cytogenetic location: 5q31.1.
Variant type: single nucleotide variant.
Coding change: c.370A>G on transcript NM_016103.4 (MANE Select); coding-DNA position 370, A replaced by G.
Protein change: p.Ile124Val; replaces isoleucine 124 with valine.
Molecular consequence: missense variant.
Genome position (GRCh38, 1-based): chr5:134,608,482, T>C on the plus strand (A>G on the coding strand, the complement: SAR1B is on the minus strand). VCF-style: chr5-134608482-T-C. GRCh37 (hg19) VCF-style: chr5-133944172-T-C.
Other names: c.370A>G, p.Ile124Val (NM_001033503.3); short protein forms I124V.
Identifiers: ClinVar variation 1311044 (VCV001311044.7), dbSNP rs755378544, ClinGen allele CA3414456.
Genomic context (GRCh38, chr5:134,608,482, plus strand): 5'-CACTGATGGCTTCAGGTCTGTCGATCTTATTCCCAAGAATCAGTATAGGCACATTAGCAA[T>C]GGTTTCATCTGTCATTAGTGACTGAAAAAAACAAAACAATACAAAACAAGAGTTGATATG-3'
Protein context (NP_057187.1, residues 114-134): ELDSLMTDET[Ile124Val]ANVPILILGN

ClinVar aggregate classification (germline): Uncertain significance. Review status: criteria provided, multiple submitters, no conflicts (2 of 4 stars). 3 submissions from 3 submitters: Uncertain significance (3). Last evaluated 2025-10-27.

Allele frequency attached by ClinVar (database versions not stated): gnomAD 0.00001; gnomAD exomes 0.00002 and 0.00006; TOPMed 0.00002; ExAC 0.00006.
gnomAD v4.1: 27 of 1,612,392 alleles (0.0017%); highest among the groups gnomAD compares: Admixed American, 0.017%; no homozygotes.

Submissions (3):

Labcorp Genetics (formerly Invitae), Labcorp
Classification: Uncertain significance. Last evaluated: 2025-10-27. Review status: criteria provided, single submitter. Criteria: Invitae Variant Classification Sherloc (09022015). Collection method: clinical testing. Allele origin: germline.
Comment: This sequence change replaces isoleucine, which is neutral and non-polar, with valine, which is neutral and non-polar, at codon 124 of the SAR1B protein (p.Ile124Val). This variant is present in population databases (rs755378544, gnomAD 0.03%). This variant has not been reported in the literature in individuals affected with SAR1B-related conditions. ClinVar contains an entry for this variant (Variation ID: 1311044). An algorithm developed to predict the effect of missense changes on protein structure and function outputs the following: PolyPhen-2: "Benign". The valine amino acid residue is found in multiple mammalian species, which suggests that this missense change does not adversely affect protein function. In summary, the available evidence is currently insufficient to determine the role of this variant in disease. Therefore, it has been classified as a Variant of Uncertain Significance.

GeneDx
Classification: Uncertain significance. Last evaluated: 2020-02-06. Review status: criteria provided, single submitter. Criteria: GeneDx Variant Classification Process June 2021. Collection method: clinical testing. Allele origin: germline. Affected: yes.
Comment: Has not been previously published as pathogenic or benign to our knowledge; In silico analysis supports that this missense variant does not alter protein structure/function

Breakthrough Genomics
Classification: Uncertain significance. Review status: criteria provided, single submitter. Criteria: ACMG Guidelines, 2015. Collection method: not provided. Allele origin: germline. Inheritance: Autosomal recessive inheritance. Affected: yes.